The following is an entry in ClinVar:

NM_003280.3(TNNC1):c.23C>T (p.Ala8Val)

Gene: TNNC1 (troponin C1, slow skeletal and cardiac type; minus strand). Cytogenetic location: 3p21.1.
Variant type: single nucleotide variant.
Coding change: c.23C>T on transcript NM_003280.3 (MANE Select); coding-DNA position 23, C replaced by T.
Protein change: p.Ala8Val; replaces alanine 8 with valine.
Molecular consequence: missense variant.
Genome position (GRCh38, 1-based): chr3:52,453,993, G>A on the plus strand (C>T on the coding strand, the complement: TNNC1 is on the minus strand). VCF-style: chr3-52453993-G-A. GRCh37 (hg19) VCF-style: chr3-52488009-G-A.
Other names: p.A8V:GCG>GTG; short protein forms A8V.
Identifiers: ClinVar variation 12443 (VCV000012443.79), dbSNP rs267607125, ClinGen allele CA122397.

ClinVar aggregate classification (germline): Conflicting classifications of pathogenicity. Review status: criteria provided, conflicting classifications (1 of 4 stars). 19 submissions from 18 submitters: Pathogenic (6); Likely pathogenic (9); Uncertain significance (1). 3 of the submissions do not count toward it. Last evaluated 2026-09-01.

Conditions:
TNNC1-related disorder. Also called: TNNC1-related condition.
Cardiovascular phenotype. Identifiers: MedGen CN230736.
Dilated cardiomyopathy 1Z (CMD1Z). Identifiers: Orphanet 154, MedGen C2678475, MONDO:0012745, OMIM 611879.
Hypertrophic cardiomyopathy 13. Also called: TNNC1-Related Familial Hypertrophic Cardiomyopathy. Identifiers: MedGen C2750472, MONDO:0013195, OMIM 613243.
Cardiomyopathy (CMYO). Also called: Cardiomyopathies. Identifiers: Orphanet 167848, MedGen C0878544, MONDO:0004994, HP:0001638. Inheritance: Various modes of inheritance.
Hypertrophic cardiomyopathy. Also called: HYPERTROPHIC MYOCARDIOPATHY. Identifiers: Orphanet 217569, MedGen C0007194, MeSH D002312, MONDO:0005045, HP:0001639.

Allele frequency attached by ClinVar (database versions not stated): TOPMed 0.00004; gnomAD 0.00001.

Submissions 1 to 8 of 19:

CeGaT Center for Human Genetics Tuebingen
Classification: Likely pathogenic. Last evaluated: 2026-09-01. Review status: criteria provided, single submitter. Criteria: CeGaT Center For Human Genetics Tuebingen Variant Classification Criteria Version 2. Collection method: clinical testing. Allele origin: germline. Affected: yes. Observed: 3 variant alleles.
Comment: TNNC1: PS4, PM2:Supporting, PP3, PS3:Supporting

GeneDx
Classification: Likely pathogenic. Last evaluated: 2025-10-29. Review status: criteria provided, single submitter. Criteria: GeneDx Variant Classification Process June 2021. Collection method: clinical testing. Allele origin: germline. Affected: yes.
Comment: Identified in patients with hypertrophic cardiomyopathy and restrictive cardiomyopathy referred for genetic testing at GeneDx and in published literature (PMID: 27574918, 18572189, 27604170, 35769956, 28771489, 24793961, 30775854); In silico analysis suggests that this missense variant does not alter protein structure/function; Not observed at significant frequency in large population cohorts (gnomAD); This variant is associated with the following publications: (PMID: 22489623, 27604170, 33407484, 23425245, 19439414, 21056975, 20459070, 26183555, 26304555, 28473771, 28445763, 28049727, 28533433, 30138628, 30070845, 24744096, 26529187, 27721798, 34488226, 33179204, 33658040, 30847666, 35838319, 36264615, 26976709, 27574918, 28771489, 35769956, 24793961, 30775854, 18572189, 34714385, 39248034, 40369053)

Labcorp Genetics (formerly Invitae), Labcorp
Classification: Pathogenic for Hypertrophic cardiomyopathy 13; Dilated cardiomyopathy 1Z. Last evaluated: 2025-10-27. Review status: criteria provided, single submitter. Criteria: Invitae Variant Classification Sherloc (09022015). Collection method: clinical testing. Allele origin: germline.
Comment: This sequence change replaces alanine, which is neutral and non-polar, with valine, which is neutral and non-polar, at codon 8 of the TNNC1 protein (p.Ala8Val). The frequency data for this variant in the population databases is considered unreliable, as metrics indicate poor data quality at this position in the gnomAD database. This missense change has been observed in individuals with hypertrophic cardiomyopathy and/or TNNC1-related conditions (PMID: 18572189, 27574918, 30775854, 30847666, 33658040; internal data). ClinVar contains an entry for this variant (Variation ID: 12443). An algorithm developed to predict the effect of missense changes on protein structure and function (PolyPhen-2) suggests that this variant is likely to be tolerated. Experimental studies have shown that this missense change affects TNNC1 function (PMID: 18572189, 19439414, 20459070, 21056975, 22489623, 23425245, 26304555). For these reasons, this variant has been classified as Pathogenic.

Ambry Genetics
Classification: Likely pathogenic for Cardiovascular phenotype. Last evaluated: 2025-07-08. Review status: criteria provided, single submitter. Criteria: Ambry Variant Classification Scheme 2023. Collection method: clinical testing. Allele origin: germline.
Comment: The p.A8V variant (also known as c.23C>T), located in coding exon 1 of the TNNC1 gene, results from a C to T substitution at nucleotide position 23. The alanine at codon 8 is replaced by valine, an amino acid with similar properties. This alteration has been detected in numerous individuals with hypertrophic cardiomyopathy (HCM) (Landstrom AP et al. J Mol Cell Cardiol. 2008;45:281-8; Jaafar N et al. Glob Cardiol Sci Pract. 2015;2015:16; Mademont-Soler I et al. PLoS ONE, 2017 Aug;12:e0181465; GeneDx pers. comm; Invitae pers. comm.; Ambry internal data). This alteration was also detected in siblings with early onset restrictive cardiomyopathy (RCM) who both carried a second alteration in the TNNC1 gene (Ploski R et al. Am J Med Genet A., 2016;170:3241-3248). This alteration was also reported in an infant with microcephaly and RCM (Elmas M et al. J Pediatr Genet, 2022 Jun;11:110-116). This variant was reported as homozygous in infant siblings with restrictive cardiomyopathy (RCM) (Patsalis C et al. Am J Med Genet A, 2025 Jan;197:e63838). A variety of in vitro functional studies have suggested that this alteration impacts the function of the Troponin C protein, but the observed effects were varied and the physiological relevance of those effects in humans is unclear (Landstrom AP et al. J Mol Cell Cardiol. 2008;45:281-8; Pinto JR et al. J Biol Chem. 2009;284:19090-100; Swindle N et al. Biochemistry. 2010;49:4813-20; Pinto JR et al. J Biol Chem. 2011;286:1005-13; Albury AN et al. Biochemistry. 2012;51:3614-21; Cordina NM et al. Biochemistry. 2013;52:1950-62; Zot HG et al. Arch Biochem Biophys. 201;601:97-104). However, aspects of human HCM are recapitulated in a mouse model with this alteration (Martins AS et al. Circ Cardiovasc Genet. 2015;8:653-64). This amino acid position is highly conserved in available vertebrate species. In addition, this alteration is predicted to be deleterious by in silico analysis. This variant is considered to be rare based on population cohorts in the Genome Aggregation Database (gnomAD). Based on the majority of available evidence to date, this variant is likely to be pathogenic.

Dasa
Classification: Pathogenic. Last evaluated: 2025-01-06. Review status: criteria provided, single submitter. Criteria: DASA Assertion Criteria. Collection method: clinical testing. Allele origin: germline.
Comment: NM_003280.3(TNNC1):c.23C>T (p.Ala8Val) is a missense variant that results in the substitution of alanine with valine. This variant has been reported in individuals with related phenotype. Functional evidence supports a deleterious effect on the gene or gene product. The variant is present at low frequency in population datasets. Based on the available data, this variant is classified as pathogenic.

Blueprint Genetics
Classification: Likely pathogenic for TNNC1-related disorders. Last evaluated: 2023-11-27. Review status: criteria provided, single submitter. Criteria: ACMG Guidelines, 2015. Collection method: clinical testing. Allele origin: germline. Affected: yes. Observed: 5 variant alleles.

Women's Health and Genetics/Laboratory Corporation of America, LabCorp
Classification: Likely pathogenic for Cardiomyopathy. Last evaluated: 2023-11-20. Review status: criteria provided, single submitter. Criteria: LabCorp Variant Classification Summary - May 2015. Collection method: clinical testing. Allele origin: germline.
Comment: Variant summary: TNNC1 c.23C>T (p.Ala8Val) results in a non-conservative amino acid change in the encoded protein sequence. Three of five in-silico tools predict a damaging effect of the variant on protein function. As this variant is located in the exonic splice region close to the canonical intronic splice donor site, several computational tools predict a conflicting impact on normal splicing: One predicts no significant impact on splicing. One predicts the variant abolishes the canonical 5' splicing donor site. Two predict the variant weakens the canonical 5' splicing donor site. However, these predictions have yet to be confirmed by functional studies. The variant allele was found at a frequency of 1.3e-05 in 1585600 control chromosomes (gnomAD v4.0). This frequency is not significantly higher than estimated for a pathogenic variant in TNNC1 causing Cardiomyopathy (1.3e-05 vs 2.5e-05), allowing no conclusion about variant significance. c.23C>T has been reported in the literature in individuals affected with Cardiomyopathy (eg. Landstrom_2008, Bos_2014, Jaafar_2015, Martins_2015, Ploski_2016, Jaaskelainen_2019, Mademont-Soler_2017, van Lint_2019, etc). The only segregation data reported by these studies was the observation of the variant in two siblings with infantile onset restrictive cardiomyopathy who were compound heterozygous with a second variant in TNNC1, and both heterozygous parents were asymptomatic (Ploski_2016). These data indicate that the variant is very likely to be associated with disease. There have been a variety of in vitro functional studies reported on this variant which suggest the variant impacts the function of the Troponin C protein, but the observed effects were varied and the physiological relevance of those effects in humans is unclear (eg. Landstrom_2008). Additionally, a mouse model with this variant was shown to recapitulate aspects of human HCM, further suggesting a functional impact of the variant (Martins_TNNC1_CCG_2015). The following publications have been ascertained in the context of this evaluation (PMID: 24793961, 26779504, 30775854, 18572189, 28771489, 26304555, 27604170, 30847666). Ten submitters have cited clinical-significance assessments for this variant to ClinVar after 2014 (P/LP, n=9 ; VUS, n=1). Based on the evidence outlined above, the variant was classified as likely pathogenic.

3billion
Classification: Pathogenic for Hypertrophic cardiomyopathy 13. Last evaluated: 2023-02-23. Review status: criteria provided, single submitter. Criteria: ACMG Guidelines, 2015. Collection method: clinical testing. Allele origin: unknown. Affected: yes.
Comment: The variant is observed at an extremely low frequency in the gnomAD v2.1.1 dataset (total allele frequency: <0.001%). Missense changes are a common disease-causing mechanism. Functional studies provide strong evidence of the variant having a damaging effect on the gene or gene product (PMID: 18572189). In silico tool predictions suggest damaging effect of the variant on gene or gene product (REVEL: 0.73; 3Cnet: 0.88). Same nucleotide change resulting in same amino acid change has been previously reported as pathogenic/likely pathogenic with strong evidence (ClinVar ID: VCV000012443). Therefore, this variant is classified as Pathogenic according to the recommendation of ACMG/AMP guideline.